The following is an entry in ClinVar:

NM_006329.4(FBLN5):c.317C>T (p.Thr106Met)

Gene: FBLN5 (fibulin 5; minus strand). Cytogenetic location: 14q32.12.
Variant type: single nucleotide variant.
Coding change: c.317C>T on transcript NM_006329.4 (MANE Select); coding-DNA position 317, C replaced by T.
Protein change: p.Thr106Met; replaces threonine 106 with methionine.
Molecular consequence: missense variant.
Genome position (GRCh38, 1-based): chr14:91,937,009, G>A on the plus strand (C>T on the coding strand, the complement: FBLN5 is on the minus strand). VCF-style: chr14-91937009-G-A. GRCh37 (hg19) VCF-style: chr14-92403353-G-A.
Other names: c.440C>T, p.Thr147Met (NM_001384158.1); c.368C>T, p.Thr123Met (NM_001384159.1); c.317C>T, p.Thr106Met (NM_001384160.1); c.149C>T, p.Thr50Met (NM_001384161.1, NM_001384162.1); short protein forms T106M, T147M, T50M, T123M.
Identifiers: ClinVar variation 1397922 (VCV001397922.6), dbSNP rs1217653337, ClinGen allele CA390639742.
Genomic context (GRCh38, chr14:91,937,009, plus strand): 5'-ACACATTGGTTGCTTTCATCCATCTGGTATCCAAAGCGGCATATAAGAGGCCTGGAGATC[G>A]TGGGATAGTTTGGAGCTGAGAGTGGTGGGGCAGCTGCTGGGTACGGACCTGAGTAGGGGG-3'
Protein context (NP_006320.2, residues 96-116): APPLSAPNYP[Thr106Met]ISRPLICRFG

ClinVar aggregate classification (germline): Uncertain significance (1 of 4 stars; one submission).

Allele frequency attached by ClinVar (database versions not stated): gnomAD exomes 0.00001; TOPMed 0.00001.
gnomAD v4.1: 13 of 1,614,196 alleles (0.00081%); highest among the groups gnomAD compares: Middle Eastern, 0.033%; no homozygotes.

Submission:

Labcorp Genetics (formerly Invitae), Labcorp
Classification: Uncertain significance. Last evaluated: 2024-03-12. Review status: criteria provided, single submitter. Criteria: Invitae Variant Classification Sherloc (09022015). Collection method: clinical testing. Allele origin: germline.
Comment: This sequence change replaces threonine, which is neutral and polar, with methionine, which is neutral and non-polar, at codon 106 of the FBLN5 protein (p.Thr106Met). This variant is present in population databases (no rsID available, gnomAD 0.002%). This variant has not been reported in the literature in individuals affected with FBLN5-related conditions. ClinVar contains an entry for this variant (Variation ID: 1397922). An algorithm developed to predict the effect of missense changes on protein structure and function (PolyPhen-2) suggests that this variant is likely to be tolerated. In summary, the available evidence is currently insufficient to determine the role of this variant in disease. Therefore, it has been classified as a Variant of Uncertain Significance.